The following is an entry in ClinVar:

ClinVar aggregate classification (germline): Uncertain significance. Review status: criteria provided, multiple submitters, no conflicts (2 of 4 stars). 7 submissions from 7 submitters: Uncertain significance (6). 1 of the submissions does not count toward it. Last evaluated 2025-01-05.

Conditions:
Inborn genetic diseases. Identifiers: MedGen C0950123, MeSH D030342.
Autosomal recessive limb-girdle muscular dystrophy type 2A (LGMDR1). Also called: LEYDEN-MOEBIUS MUSCULAR DYSTROPHY; MUSCULAR DYSTROPHY, PELVOFEMORAL; Limb-girdle muscular dystrophy, type 2A; Calpainopathy; Muscular dystrophy, limb-girdle, type 2A, Amish. Identifiers: Orphanet 267, MedGen C1869123, MONDO:0009675, OMIM 253600. Disease mechanism: loss of function.

Allele frequency attached by ClinVar (database versions not stated): gnomAD exomes 0.00014 and 0.00032; gnomAD 0.00015 and 0.00018; ExAC 0.00016; TOPMed 0.00019; ESP Exome Variant Server 0.00054.
gnomAD v4.1: 511 of 1,613,902 alleles (0.032%); highest among the groups gnomAD compares: Non-Finnish European, 0.04%; no homozygotes.

Submissions (7):

Labcorp Genetics (formerly Invitae), Labcorp
Classification: Uncertain significance for Autosomal recessive limb-girdle muscular dystrophy type 2A. Last evaluated: 2025-01-05. Review status: criteria provided, single submitter. Criteria: Invitae Variant Classification Sherloc (09022015). Collection method: clinical testing. Allele origin: germline.
Comment: This sequence change replaces isoleucine, which is neutral and non-polar, with valine, which is neutral and non-polar, at codon 241 of the CAPN3 protein (p.Ile241Val). This variant is present in population databases (rs141948992, gnomAD 0.03%). This variant has not been reported in the literature in individuals affected with CAPN3-related conditions. ClinVar contains an entry for this variant (Variation ID: 291126). Invitae Evidence Modeling of protein sequence and biophysical properties (such as structural, functional, and spatial information, amino acid conservation, physicochemical variation, residue mobility, and thermodynamic stability) indicates that this missense variant is not expected to disrupt CAPN3 protein function with a negative predictive value of 80%. In summary, the available evidence is currently insufficient to determine the role of this variant in disease. Therefore, it has been classified as a Variant of Uncertain Significance.

Ambry Genetics
Classification: Uncertain significance for Inborn genetic diseases. Last evaluated: 2023-09-20. Review status: criteria provided, single submitter. Criteria: Ambry Variant Classification Scheme 2023. Collection method: clinical testing. Allele origin: germline.

Revvity Omics, Revvity
Classification: Uncertain significance. Last evaluated: 2022-06-15. Review status: criteria provided, single submitter. Criteria: ACMG Guidelines, 2015. Collection method: clinical testing. Allele origin: germline.

Mayo Clinic Laboratories, Mayo Clinic
Classification: Uncertain significance. Last evaluated: 2020-04-06. Review status: criteria provided, single submitter. Criteria: ACMG Guidelines, 2015. Collection method: clinical testing. Allele origin: germline. Observed: 1 variant allele.

GeneDx
Classification: Uncertain significance. Last evaluated: 2018-11-13. Review status: criteria provided, single submitter. Criteria: GeneDx Variant Classification (06012015). Collection method: clinical testing. Allele origin: germline. Affected: yes.
Comment: The c.721 A>G variant has not been published as a pathogenic variant, nor has it been reported as a benign variant to our knowledge. The c.721 A>G variant is observed in 19/66,740 (0.03%) alleles from individuals of European background (Lek et al., 2016; 1000 Genomes Consortium et al., 2015; Exome Variant Server). Multiple in-silico splice prediction models predict that c.721 A>G creates a cryptic splice donor site which may supplant the natural splice donor site and lead to abnormal gene splicing. However, in the absence of RNA/functional studies, the actual effect of this sequence change on splicing is unknown. If c.721 A>G does not alter splicing, it will result in the I241V missense change. The I241V variant is a conservative amino acid substitution, which is not likely to impact secondary protein structure as these residues share similar properties. This substitution occurs at a position where amino acids with similar properties to Isoleucine are tolerated across species. In silico analysis is inconsistent in its predictions as to whether or not the variant is damaging to the protein structure/function.

Eurofins Ntd Llc (ga)
Classification: Uncertain significance. Last evaluated: 2016-09-07. Review status: criteria provided, single submitter. Criteria: EGL Classification Definitions 2015. Collection method: clinical testing. Allele origin: germline. Observed: 1 variant allele, 1 heterozygote.

Natera, Inc.
Classification: Uncertain significance for Limb-girdle muscular dystrophy type 2A. Last evaluated: 2020-01-24. Review status: no assertion criteria provided. Collection method: clinical testing. Allele origin: germline. Not counted in ClinVar's aggregate classification.

NM_000070.3(CAPN3):c.721A>G (p.Ile241Val)

Gene: CAPN3 (calpain 3; plus strand). Cytogenetic location: 15q15.1.
Variant type: single nucleotide variant.
Coding change: c.721A>G on transcript NM_000070.3 (MANE Select); coding-DNA position 721, A replaced by G.
Protein change: p.Ile241Val; replaces isoleucine 241 with valine.
Molecular consequence: missense variant.
Genome position (GRCh38, 1-based): chr15:42,389,016, A>G. VCF-style: chr15-42389016-A-G. GRCh37 (hg19) VCF-style: chr15-42681214-A-G.
Other names: c.721A>G, p.Ile241Val (NM_024344.2, NM_173087.2); short protein forms I241V.
Identifiers: ClinVar variation 291126 (VCV000291126.19), dbSNP rs141948992, ClinGen allele CA7511097.